The following is an entry in ClinVar:

NM_001378454.1(ALMS1):c.7404T>A (p.Ser2468Arg)

Gene: ALMS1 (ALMS1 centrosome and basal body associated protein; plus strand). Cytogenetic location: 2p13.1.
Variant type: single nucleotide variant.
Coding change: c.7404T>A on transcript NM_001378454.1 (MANE Select); coding-DNA position 7404, T replaced by A.
Protein change: p.Ser2468Arg; replaces serine 2468 with arginine.
Molecular consequence: missense variant.
Genome position (GRCh38, 1-based): chr2:73,453,931, T>A. VCF-style: chr2-73453931-T-A. GRCh37 (hg19) VCF-style: chr2-73681058-T-A.
Other names: c.7407T>A, p.Ser2469Arg (NM_015120.4); short protein forms S2469R, S2468R.
Identifiers: ClinVar variation 550249 (VCV000550249.27), dbSNP rs749127545, ClinGen allele CA1714227.

ClinVar aggregate classification (germline): Uncertain significance. Review status: criteria provided, multiple submitters, no conflicts (2 of 4 stars). 7 submissions from 7 submitters: Uncertain significance (5). 2 of the submissions do not count toward it. Last evaluated 2025-12-10.

Conditions:
Alstrom syndrome (ALMS). Identifiers: Orphanet 64, MedGen C0268425, MONDO:0008763, OMIM 203800.

Allele frequency attached by ClinVar (database versions not stated): gnomAD exomes below 0.00001; ExAC 0.00001; gnomAD 0.00001; TOPMed 0.00002.
gnomAD v4.1: 7 of 1,613,404 alleles (0.00043%); highest among the groups gnomAD compares: Middle Eastern, 0.016%; no homozygotes.

Submissions (7):

Labcorp Genetics (formerly Invitae), Labcorp
Classification: Uncertain significance for Alstrom syndrome. Last evaluated: 2025-12-10. Review status: criteria provided, single submitter. Criteria: Invitae Variant Classification Sherloc (09022015). Collection method: clinical testing. Allele origin: germline.
Comment: This sequence change replaces serine, which is neutral and polar, with arginine, which is basic and polar, at codon 2469 of the ALMS1 protein (p.Ser2469Arg). This variant is present in population databases (rs749127545, gnomAD 0.007%). This variant has not been reported in the literature in individuals affected with ALMS1-related conditions. ClinVar contains an entry for this variant (Variation ID: 550249). Experimental studies and prediction algorithms are not available or were not evaluated, and the functional significance of this variant is currently unknown. In summary, the available evidence is currently insufficient to determine the role of this variant in disease. Therefore, it has been classified as a Variant of Uncertain Significance.

Women's Health and Genetics/Laboratory Corporation of America, LabCorp
Classification: Uncertain significance. Last evaluated: 2025-10-21. Review status: criteria provided, single submitter. Criteria: LabCorp Variant Classification Summary - May 2015. Collection method: clinical testing. Allele origin: germline.

CeGaT Center for Human Genetics Tuebingen
Classification: Uncertain significance. Last evaluated: 2024-12-01. Review status: criteria provided, single submitter. Criteria: CeGaT Center For Human Genetics Tuebingen Variant Classification Criteria Version 2. Collection method: clinical testing. Allele origin: germline. Affected: yes. Observed: 1 variant allele.
Comment: ALMS1: PM2

Fulgent Genetics
Classification: Uncertain significance for Alstrom syndrome. Last evaluated: 2021-11-24. Review status: criteria provided, single submitter. Criteria: ACMG Guidelines, 2015. Collection method: clinical testing. Allele origin: unknown.

Blueprint Genetics
Classification: Uncertain significance. Last evaluated: 2021-11-11. Review status: criteria provided, single submitter. Criteria: ACMG Guidelines, 2015. Collection method: clinical testing. Allele origin: germline.

Natera, Inc.
Classification: Uncertain significance for Alstrom syndrome. Last evaluated: 2021-03-29. Review status: no assertion criteria provided. Collection method: clinical testing. Allele origin: germline. Not counted in ClinVar's aggregate classification.

Counsyl
Classification: Uncertain significance for Alstrom syndrome. Last evaluated: 2016-12-23. Review status: no assertion criteria provided. Collection method: clinical testing. Allele origin: unknown. Not counted in ClinVar's aggregate classification.